The following is an entry in ClinVar:

ClinVar aggregate classification (germline): Pathogenic. Review status: criteria provided, multiple submitters, no conflicts (2 of 4 stars). 2 submissions from 2 submitters: Pathogenic (2). Last evaluated 2026-07-17.

Conditions:
Inborn genetic diseases. Identifiers: MedGen C0950123, MeSH D030342.
Odonto-onycho-dermal dysplasia. Identifiers: Orphanet 2721, MedGen C0796093, MONDO:0009773, OMIM 257980.
Tooth agenesis, selective, 4 (STHAG4). Also called: LATERAL INCISORS, ABSENCE OF; LATERAL INCISORS, PEGGED OR MISSING; TOOTH AGENESIS, SELECTIVE, 4, WITH OR WITHOUT ECTODERMAL DYSPLASIA; SUCCEDANEOUS TEETH, AGENESIS OF. Identifiers: Orphanet 99798, MedGen C1835492, MONDO:0007881, OMIM 150400. Disease mechanism: loss of function.

Submissions (2):

Ambry Genetics
Classification: Pathogenic for Inborn genetic diseases. Last evaluated: 2026-07-17. Review status: criteria provided, single submitter. Criteria: Ambry Variant Classification Scheme 2023. Collection method: clinical testing. Allele origin: germline.
Comment: The c.381_382delCCinsTT (p.R128*) variant, located in coding exon 3 of the WNT10A gene, consists of a deletion of CC and an insertion of TT at position 381 to 382. This changes the amino acid from an arginine to a stop codon at amino acid position 128. This variant is expected to result in loss of function by premature protein truncation or nonsense-mediated mRNA decay. This variant was not reported in population-based cohorts in the Genome Aggregation Database (gnomAD). This variant has been identified in the homozygous state and/or in conjunction with other WNT10A variant(s) in individual(s) who met clinical criteria for WNT10A-related ectodermal dysplasia; in at least one instance, the variants were identified in trans (Van Geel, 2010). Based on the available evidence, this alteration is classified as pathogenic.

Labcorp Genetics (formerly Invitae), Labcorp
Classification: Pathogenic for Tooth agenesis, selective, 4; Odonto-onycho-dermal dysplasia. Last evaluated: 2023-08-07. Review status: criteria provided, single submitter. Criteria: Invitae Variant Classification Sherloc (09022015). Collection method: clinical testing. Allele origin: germline.
Comment: This sequence change creates a premature translational stop signal (p.Arg128*) in the WNT10A gene. It is expected to result in an absent or disrupted protein product. Loss-of-function variants in WNT10A are known to be pathogenic (PMID: 17847007, 22581971, 25629078). Information on the frequency of this variant in the gnomAD database is not available, as this variant may be reported differently in the database. This premature translational stop signal has been observed in individual(s) with WNT10A-related conditions (PMID: 20163410, 23167694). For these reasons, this variant has been classified as Pathogenic.

Literature cited by the submitters: PubMed 20163410 (cited by Ambry Genetics and Labcorp Genetics (formerly Invitae), Labcorp); PubMed 17847007 (cited by Labcorp Genetics (formerly Invitae), Labcorp); PubMed 22581971 (cited by Labcorp Genetics (formerly Invitae), Labcorp); PubMed 25629078 (cited by Labcorp Genetics (formerly Invitae), Labcorp); PubMed 23167694 (cited by Labcorp Genetics (formerly Invitae), Labcorp).

NM_025216.3(WNT10A):c.381_382delinsTT (p.Arg128Ter)

Gene: WNT10A (Wnt family member 10A; plus strand). Cytogenetic location: 2q35.
Variant type: Indel.
Coding change: c.381_382delinsTT on transcript NM_025216.3 (MANE Select); coding-DNA positions 381 to 382, CC replaced by TT.
Protein change: p.Arg128Ter; replaces arginine 128 with a stop codon.
Molecular consequence: nonsense.
Genome position (GRCh38, 1-based): chr2:218,889,988-218,889,989, CC replaced by TT. VCF-style: chr2-218889988-CC-TT. GRCh37 (hg19) VCF-style: chr2-219754710-CC-TT.
Other names: c.381_382delCCinsTT (NM_025216.2); short protein forms R128*.
Identifiers: ClinVar variation 2950751 (VCV002950751.4), dbSNP rs2470312297, ClinGen allele CA2740096464.